The following is an entry in ClinVar:

NM_003640.5(ELP1):c.-126T>G

Gene: ELP1 (elongator acetyltransferase complex subunit 1; minus strand). Cytogenetic location: 9q31.3.
Variant type: single nucleotide variant.
Coding change: c.-126T>G on transcript NM_003640.5 (MANE Select); 126 bases upstream of the start codon, T replaced by G.
Molecular consequence: 5 prime UTR variant.
Genome position (GRCh38, 1-based): chr9:108,933,934, A>C on the plus strand (T>G on the coding strand, the complement: ELP1 is on the minus strand). VCF-style: chr9-108933934-A-C. GRCh37 (hg19) VCF-style: chr9-111696214-A-C.
Other names: c.-323T>G (NM_001318360.2); c.-985T>G (NM_001330749.2); c.-126T>G (LRG_251t1).
Identifiers: ClinVar variation 364585 (VCV000364585.11), dbSNP rs2275640, ClinGen allele CA10632040.

ClinVar aggregate classification (germline): Benign. Review status: criteria provided, multiple submitters, no conflicts (2 of 4 stars). 4 submissions from 4 submitters: Benign (3). 1 of the submissions does not count toward it. Last evaluated 2018-06-20.

Conditions:
Familial dysautonomia. Also called: HSAN III; FD. Identifiers: Orphanet 1764, MedGen C0013364, MONDO:0009131, OMIM 223900. Disease mechanism: loss of function.

Allele frequency attached by ClinVar (database versions not stated): gnomAD exomes 0.06075; TOPMed 0.07627; gnomAD 0.07797; 1000 Genomes Project 0.08706; 1000 Genomes Project 30x 0.08776.

Submissions (4):

GeneDx
Classification: Benign. Last evaluated: 2018-06-20. Review status: criteria provided, single submitter. Criteria: GeneDx Variant Classification (06012015). Collection method: clinical testing. Allele origin: germline. Affected: yes.
Comment: This variant is considered likely benign or benign based on one or more of the following criteria: it is a conservative change, it occurs at a poorly conserved position in the protein, it is predicted to be benign by multiple in silico algorithms, and/or has population frequency not consistent with disease.

Illumina Laboratory Services, Illumina
Classification: Benign for Familial dysautonomia. Last evaluated: 2018-01-12. Review status: criteria provided, single submitter. Criteria: ICSL Variant Classification Criteria 13 December 2019. Collection method: clinical testing. Allele origin: germline.
Comment: This variant was observed in the ICSL laboratory as part of a predisposition screen in an ostensibly healthy population. It had not been previously curated by ICSL or reported in the Human Gene Mutation Database (HGMD: prior to June 1st, 2018), and was therefore a candidate for classification through an automated scoring system. Utilizing variant allele frequency, disease prevalence and penetrance estimates, and inheritance mode, an automated score was calculated to assess if this variant is too frequent to cause the disease. Based on the score and internal cut-off values, a variant classified as benign is not then subjected to further curation. The score for this variant resulted in a classification of benign for this disease.

Breakthrough Genomics
Classification: Benign. Review status: criteria provided, single submitter. Criteria: ACMG Guidelines, 2015. Collection method: not provided. Allele origin: germline. Inheritance: Autosomal recessive inheritance. Affected: yes.

Natera, Inc.
Classification: Benign for Familial dysautonomia. Last evaluated: 2017-05-06. Review status: no assertion criteria provided. Collection method: clinical testing. Allele origin: germline. Not counted in ClinVar's aggregate classification.